The following is an entry in ClinVar:

ClinVar aggregate classification (germline): Likely benign (1 of 4 stars; one submission).

gnomAD v4.1: 2 of 1,604,786 alleles (0.00012%); highest among the groups gnomAD compares: Middle Eastern, 0.017%; no homozygotes.

Submission:

CeGaT Center for Human Genetics Tuebingen
Classification: Likely benign. Last evaluated: 2022-04-01. Review status: criteria provided, single submitter. Criteria: CeGaT Center For Human Genetics Tuebingen Variant Classification Criteria Version 2. Collection method: clinical testing. Allele origin: germline. Affected: yes. Observed: 1 variant allele.
Comment: MED13: PM2:Supporting, BP4, BP7

NM_005121.3(MED13):c.378A>C (p.Leu126=)

Gene: MED13 (mediator complex subunit 13; minus strand). Cytogenetic location: 17q23.2.
Variant type: single nucleotide variant.
Coding change: c.378A>C on transcript NM_005121.3 (MANE Select); coding-DNA position 378, A replaced by C.
Protein change: p.Leu126=; no amino-acid change (leucine 126 retained).
Molecular consequence: synonymous variant.
Genome position (GRCh38, 1-based): chr17:62,052,629, T>G on the plus strand (A>C on the coding strand, the complement: MED13 is on the minus strand). VCF-style: chr17-62052629-T-G. GRCh37 (hg19) VCF-style: chr17-60129990-T-G.
Identifiers: ClinVar variation 2648021 (VCV002648021.24), dbSNP rs759270806, ClinGen allele CA501266019.